The following is an entry in ClinVar:

NM_002439.5(MSH3):c.2686G>T (p.Gly896Ter)

Gene: MSH3 (mutS homolog 3; plus strand). Cytogenetic location: 5q14.1.
Variant type: single nucleotide variant.
Coding change: c.2686G>T on transcript NM_002439.5 (MANE Select); coding-DNA position 2686, G replaced by T.
Protein change: p.Gly896Ter; replaces glycine 896 with a stop codon.
Molecular consequence: nonsense.
Genome position (GRCh38, 1-based): chr5:80,813,614, G>T. VCF-style: chr5-80813614-G-T. GRCh37 (hg19) VCF-style: chr5-80109433-G-T.
Other names: short protein forms G896*.
Identifiers: ClinVar variation 640896 (VCV000640896.32), dbSNP rs777054839, ClinGen allele CA3328328.

ClinVar aggregate classification (germline): Pathogenic/Likely pathogenic. Review status: criteria provided, multiple submitters, no conflicts (2 of 4 stars). 9 submissions from 9 submitters: Pathogenic (7); Likely pathogenic (2). Last evaluated 2026-06-01.

Conditions:
Hereditary cancer-predisposing syndrome. Also called: Neoplastic Syndromes, Hereditary; Hereditary Cancer Syndrome; Tumor predisposition; Hereditary neoplastic syndrome. Identifiers: Orphanet 140162, MedGen C0027672, MeSH D009386, MONDO:0015356.
Endometrial carcinoma. Also called: Endometrial carcinoma, somatic. Identifiers: MedGen C0476089, MONDO:0002447, OMIM 608089, HP:0012114.
MSH3-related disorder. Also called: MSH3-related condition.
Familial adenomatous polyposis 4 (FAP4). Also called: MSH3-related attenuated familial adenomatous polyposis. Identifiers: Orphanet 480536, MedGen C4310719, MONDO:0044300, OMIM 617100.

Allele frequency attached by ClinVar (database versions not stated): TOPMed 0.00003.
gnomAD v4.1: 33 of 1,613,852 alleles (0.002%); highest among the groups gnomAD compares: Non-Finnish European, 0.0028%; no homozygotes.

Submissions (9):

CeGaT Center for Human Genetics Tuebingen
Classification: Pathogenic. Last evaluated: 2026-06-01. Review status: criteria provided, single submitter. Criteria: CeGaT Center For Human Genetics Tuebingen Variant Classification Criteria Version 2. Collection method: clinical testing. Allele origin: germline. Affected: yes. Observed: 1 variant allele.
Comment: MSH3: PVS1, PM3, PM2:Supporting

PreventionGenetics, part of Exact Sciences
Classification: Pathogenic for MSH3-related condition. Last evaluated: 2026-02-26. Review status: criteria provided, single submitter. Criteria: ACMG Guidelines, 2015. Collection method: clinical testing. Allele origin: germline.
Comment: The MSH3 c.2686G>T variant is predicted to result in premature protein termination (p.Gly896*). This variant has been reported in the heterozygous state in multiple individuals with uterine leiomyosarcoma, hepatocellular carcinoma, endometrial and colorectal cancer (DeRycke et al 2017. PubMed ID: 28944238; Table S1, Dermawan et al. 2024. PubMed ID: 39150540; Levine et al. 2021. PubMed ID: 34994648; Horackova K. et al. 2022. PubMed ID: 36612198). This variant is reported in 0.0046% of alleles in individuals of European (non-Finnish) descent in gnomAD. This variant is classified as pathogenic/likely pathogenic by multiple submitters in Clinvar (Variation ID: 640896). Nonsense variants in MSH3 are expected to be pathogenic. This variant is interpreted as pathogenic.

Labcorp Genetics (formerly Invitae), Labcorp
Classification: Pathogenic. Last evaluated: 2026-01-28. Review status: criteria provided, single submitter. Criteria: Invitae Variant Classification Sherloc (09022015). Collection method: clinical testing. Allele origin: germline.
Comment: This sequence change creates a premature translational stop signal (p.Gly896*) in the MSH3 gene. It is expected to result in an absent or disrupted protein product. Loss-of-function variants in MSH3 are known to be pathogenic (PMID: 27476653, 37402566). The frequency data for this variant in the population databases is considered unreliable, as metrics indicate poor data quality at this position in the gnomAD database. This premature translational stop signal has been observed in individual(s) with colorectal cancer (PMID: 28944238). ClinVar contains an entry for this variant (Variation ID: 640896). For these reasons, this variant has been classified as Pathogenic.

Ambry Genetics
Classification: Pathogenic for Hereditary cancer-predisposing syndrome. Last evaluated: 2025-12-09. Review status: criteria provided, single submitter. Criteria: Ambry Variant Classification Scheme 2023. Collection method: clinical testing. Allele origin: germline.
Comment: The p.G896* pathogenic mutation (also known as c.2686G>T), located in coding exon 20 of the MSH3 gene, results from a G to T substitution at nucleotide position 2686. This changes the amino acid from a glycine to a stop codon within coding exon 20. This alteration has been reported in a compound heterozygous state in one patient from a cohort of 1231 individuals with colorectal cancer (DeRycke MS et al. Mol Genet Genomic Med, 2017 Sep;5:553-569). In addition to the clinical data presented in the literature, this alteration is expected to result in loss of function by premature protein truncation or nonsense-mediated mRNA decay. As such, this alteration is interpreted as a disease-causing mutation.

Baylor Genetics
Classification: Likely pathogenic for Endometrial carcinoma. Last evaluated: 2024-03-06. Review status: criteria provided, single submitter. Criteria: ACMG Guidelines, 2015. Collection method: clinical testing. Allele origin: unknown.

Myriad Genetics, Inc.
Classification: Pathogenic for Familial adenomatous polyposis 4. Last evaluated: 2023-08-31. Review status: criteria provided, single submitter. Criteria: Myriad Autosomal Dominant, Autosomal Recessive and X-Linked Classification Criteria (2023). Collection method: clinical testing. Allele origin: unknown.
Comment: This variant is considered pathogenic. This variant creates a termination codon and is predicted to result in premature protein truncation.

Quest Diagnostics Nichols Institute San Juan Capistrano
Classification: Pathogenic. Last evaluated: 2023-04-26. Review status: criteria provided, single submitter. Criteria: Quest Diagnostics criteria. Collection method: clinical testing. Allele origin: unknown.
Comment: This nonsense variant causes the premature termination of MSH3 protein synthesis. The frequency of this variant in the general population, 0.000046 (6/129144 chromosomes), is consistent with pathogenicity. In the published literature, the variant has been reported in individuals with colorectal cancer (PMID: 28944238 (2017)), endometrial cancer (PMID: 34994648 (2021)), and breast cancer (PMID: 34250384 (2021)). Based on the available information, this variant is classified as pathogenic.

Institute for Clinical Genetics, University Hospital TU Dresden, University Hospital TU Dresden
Classification: Pathogenic. Last evaluated: 2021-11-03. Review status: criteria provided, single submitter. Criteria: ACMG Guidelines, 2015. Collection method: clinical testing. Allele origin: germline.

ARUP Laboratories, Molecular Genetics and Genomics, ARUP Laboratories
Classification: Likely pathogenic. Last evaluated: 2020-01-24. Review status: criteria provided, single submitter. Criteria: ARUP Molecular Germline Variant Investigation Process. Collection method: clinical testing. Allele origin: germline.
Comment: The MSH3 c.2686G>T; p.Gly896Ter variant (rs777054839) is reported in the literature in an individual with colorectal cancer (DeRycke 2017), and is reported in ClinVar (Variation ID: 640896). This variant is found in the general population with a low overall allele frequency of 0.002% (6/282816 alleles) in the Genome Aggregation Database. This variant induces an early termination codon and is predicted to result in a truncated protein or mRNA subject to nonsense-mediated decay. Loss-of-function variants in MSH3 are known to be pathogenic (Adam 2016). Based on available information, this variant is considered to be likely pathogenic. REFERENCES Adam R et al. Exome Sequencing Identifies Biallelic MSH3 Germline Mutations as a Recessive Subtype of Colorectal Adenomatous Polyposis. Am J Hum Genet. 2016 Aug 4;99(2):337-51. DeRycke MS et al. Targeted sequencing of 36 known or putative colorectal cancer susceptibility genes. Mol Genet Genomic Med. 2017 Jul 23;5(5):553-569.

Literature cited by the submitters: PubMed 27476653 (cited by Labcorp Genetics (formerly Invitae), Labcorp); PubMed 37402566 (cited by Labcorp Genetics (formerly Invitae), Labcorp); PubMed 28944238 (cited by 3 submitters); PubMed 34994648 (cited by Quest Diagnostics Nichols Institute San Juan Capistrano); PubMed 34250384 (cited by Quest Diagnostics Nichols Institute San Juan Capistrano).